The following is an entry in ClinVar:

ClinVar aggregate classification (germline): Uncertain significance (1 of 4 stars; one submission).

Allele frequency attached by ClinVar (database versions not stated): gnomAD exomes below 0.00001; TOPMed below 0.00001; gnomAD 0.00001; 1000 Genomes Project 30x 0.00016; 1000 Genomes Project 0.00020.

Submission:

Labcorp Genetics (formerly Invitae), Labcorp
Classification: Uncertain significance. Last evaluated: 2024-08-19. Review status: criteria provided, single submitter. Criteria: Invitae Variant Classification Sherloc (09022015). Collection method: clinical testing. Allele origin: germline.
Comment: This sequence change replaces arginine, which is basic and polar, with glutamine, which is neutral and polar, at codon 1000 of the AP3D1 protein (p.Arg1000Gln). This variant is not present in population databases (gnomAD no frequency). This variant has not been reported in the literature in individuals affected with AP3D1-related conditions. An algorithm developed to predict the effect of missense changes on protein structure and function outputs the following: PolyPhen-2: "Benign". The glutamine amino acid residue is found in multiple mammalian species, which suggests that this missense change does not adversely affect protein function. In summary, the available evidence is currently insufficient to determine the role of this variant in disease. Therefore, it has been classified as a Variant of Uncertain Significance.

NM_001261826.3(AP3D1):c.2999G>A (p.Arg1000Gln)

Gene: AP3D1 (adaptor related protein complex 3 subunit delta 1; minus strand). Cytogenetic location: 19p13.3.
Variant type: single nucleotide variant.
Coding change: c.2999G>A on transcript NM_001261826.3 (MANE Select); coding-DNA position 2999, G replaced by A.
Protein change: p.Arg1000Gln; replaces arginine 1000 with glutamine.
Molecular consequence: missense variant.
Genome position (GRCh38, 1-based): chr19:2,110,883, C>T on the plus strand (G>A on the coding strand, the complement: AP3D1 is on the minus strand). VCF-style: chr19-2110883-C-T. GRCh37 (hg19) VCF-style: chr19-2110882-C-T.
Other names: c.2963G>A, p.Arg988Gln (NM_001374799.1); c.2813G>A, p.Arg938Gln (NM_003938.8); short protein forms R988Q, R1000Q, R938Q.
Identifiers: ClinVar variation 2994639 (VCV002994639.3), dbSNP rs139281900, ClinGen allele CA304149978.